The following is an entry in ClinVar:

ClinVar aggregate classification (germline): Uncertain significance (1 of 4 stars; one submission).

gnomAD v4.1: 2 of 1,614,128 alleles (0.00012%); highest among the groups gnomAD compares: Admixed American, 0.0017%; no homozygotes.

Submission:

Labcorp Genetics (formerly Invitae), Labcorp
Classification: Uncertain significance. Last evaluated: 2022-12-17. Review status: criteria provided, single submitter. Criteria: Invitae Variant Classification Sherloc (09022015). Collection method: clinical testing. Allele origin: germline.
Comment: In summary, the available evidence is currently insufficient to determine the role of this variant in disease. Therefore, it has been classified as a Variant of Uncertain Significance. Algorithms developed to predict the effect of missense changes on protein structure and function output the following: SIFT: "Tolerated"; PolyPhen-2: "Benign"; Align-GVGD: "Class C0". The alanine amino acid residue is found in multiple mammalian species, which suggests that this missense change does not adversely affect protein function. This variant has not been reported in the literature in individuals affected with ADGRE2-related conditions. This variant is present in population databases (no rsID available, gnomAD 0.003%). This sequence change replaces threonine, which is neutral and polar, with alanine, which is neutral and non-polar, at codon 277 of the ADGRE2 protein (p.Thr277Ala).

NM_013447.4(ADGRE2):c.829A>G (p.Thr277Ala)

Gene: ADGRE2 (adhesion G protein-coupled receptor E2; minus strand). Cytogenetic location: 19p13.12.
Variant type: single nucleotide variant.
Coding change: c.829A>G on transcript NM_013447.4 (MANE Select); coding-DNA position 829, A replaced by G.
Protein change: p.Thr277Ala; replaces threonine 277 with alanine.
Molecular consequence: missense variant.
Genome position (GRCh38, 1-based): chr19:14,765,397, T>C on the plus strand (A>G on the coding strand, the complement: ADGRE2 is on the minus strand). VCF-style: chr19-14765397-T-C. GRCh37 (hg19) VCF-style: chr19-14876209-T-C.
Other names: c.829A>G, p.Thr277Ala (NM_001271052.1); c.682A>G, p.Thr228Ala (NM_152916.2); c.550A>G, p.Thr184Ala (NM_152917.2); short protein forms T184A, T228A, T277A.
Identifiers: ClinVar variation 3009841 (VCV003009841.3), dbSNP rs537283205, ClinGen allele CA404460127.